The following is an entry in ClinVar:

ClinVar aggregate classification (germline): Uncertain significance (1 of 4 stars; one submission).

Conditions:
Cerebral creatine deficiency syndrome. Also called: Creatine deficiency syndromes. Identifiers: Orphanet 79172, MedGen C5244016, MONDO:0000456.

Submission:

Labcorp Genetics (formerly Invitae), Labcorp
Classification: Uncertain significance for Cerebral creatine deficiency syndrome. Last evaluated: 2022-09-01. Review status: criteria provided, single submitter. Criteria: Invitae Variant Classification Sherloc (09022015). Collection method: clinical testing. Allele origin: germline.
Comment: This sequence change replaces aspartic acid, which is acidic and polar, with glycine, which is neutral and non-polar, at codon 119 of the GAMT protein (p.Asp119Gly). This variant is not present in population databases (gnomAD no frequency). This variant has not been reported in the literature in individuals affected with GAMT-related conditions. ClinVar contains an entry for this variant (Variation ID: 863191). Algorithms developed to predict the effect of missense changes on protein structure and function are either unavailable or do not agree on the potential impact of this missense change (SIFT: "Deleterious"; PolyPhen-2: "Benign"; Align-GVGD: "Class C0"). Algorithms developed to predict the effect of sequence changes on RNA splicing suggest that this variant may disrupt the consensus splice site. In summary, the available evidence is currently insufficient to determine the role of this variant in disease. Therefore, it has been classified as a Variant of Uncertain Significance.

NM_000156.6(GAMT):c.356A>G (p.Asp119Gly)

Gene: GAMT (guanidinoacetate N-methyltransferase; minus strand). Cytogenetic location: 19p13.3.
Variant type: single nucleotide variant.
Coding change: c.356A>G on transcript NM_000156.6 (MANE Select); coding-DNA position 356, A replaced by G.
Protein change: p.Asp119Gly; replaces aspartic acid 119 with glycine.
Molecular consequence: missense variant.
Genome position (GRCh38, 1-based): chr19:1,399,559, T>C on the plus strand (A>G on the coding strand, the complement: GAMT is on the minus strand). VCF-style: chr19-1399559-T-C. GRCh37 (hg19) VCF-style: chr19-1399558-T-C.
Other names: c.356A>G, p.Asp119Gly (NM_138924.3); short protein forms D119G.
Identifiers: ClinVar variation 863191 (VCV000863191.7), dbSNP rs2082620997, ClinGen allele CA402995699.
Genomic context (GRCh38, chr19:1,399,559, plus strand): 5'-TGTGATACGTCCCCTCACCCCTCACCATCAAAGTGACCGTCAGGCAGGGTGGGTGCCACA[T>C]CCTCCCACAGGCCTTTCAAGGGGATGACCTTGCAGAGGGGAAAAGAAAAAGAGAGGACAG-3'
Protein context (NP_000147.1, residues 109-129): KVIPLKGLWE[Asp119Gly]VAPTLPDGHF